The following is an entry in ClinVar:

NM_004006.3(DMD):c.5133G>C (p.Gln1711His)

Gene: DMD (dystrophin; minus strand). Cytogenetic location: Xp21.1.
Variant type: single nucleotide variant.
Coding change: c.5133G>C on transcript NM_004006.3 (MANE Select); coding-DNA position 5133, G replaced by C.
Protein change: p.Gln1711His; replaces glutamine 1711 with histidine.
Molecular consequence: missense variant.
Genome position (GRCh38, 1-based): chrX:32,364,603, C>G on the plus strand (G>C on the coding strand, the complement: DMD is on the minus strand). VCF-style: chrX-32364603-C-G. GRCh37 (hg19) VCF-style: chrX-32382720-C-G.
Other names: c.5109G>C, p.Gln1703His (NM_000109.4); c.5121G>C, p.Gln1707His (NM_004009.3); c.4764G>C, p.Gln1588His (NM_004010.3); c.1110G>C, p.Gln370His (NM_004011.4); c.1101G>C, p.Gln367His (NM_004012.4); short protein forms Q1588H, Q1703H, Q1711H, Q367H, Q370H, Q1707H.
Identifiers: ClinVar variation 1404438 (VCV001404438.5), dbSNP rs771957811, ClinGen allele CA412671455.
Genomic context (GRCh38, chrX:32,364,603, plus strand): 5'-GTACAATTTGGACATTACTTTTCATATTTTATTTGCTACCTTAAGCACGTCTTCTTTTTG[C>G]TGGGGTTTCTTTTTCTCTGATTCATCCAAAAGTGTGTCAGCCTGAATGATCCACTTTGTG-3'
Protein context (NP_003997.2, residues 1701-1721): LLDESEKKKP[Gln1711His]QKEDVLKRLK

ClinVar aggregate classification (germline): Uncertain significance (1 of 4 stars; one submission).

Conditions:
Duchenne muscular dystrophy (DMD). Also called: MUSCULAR DYSTROPHY, PSEUDOHYPERTROPHIC PROGRESSIVE, DUCHENNE TYPE; Duchenne Muscular Dystrophy (DMD). Identifiers: Orphanet 98896, MedGen C0013264, MONDO:0010679, OMIM 310200.

Submission:

Labcorp Genetics (formerly Invitae), Labcorp
Classification: Uncertain significance for Duchenne muscular dystrophy. Last evaluated: 2022-02-08. Review status: criteria provided, single submitter. Criteria: Invitae Variant Classification Sherloc (09022015). Collection method: clinical testing. Allele origin: germline.
Comment: This sequence change replaces glutamine, which is neutral and polar, with histidine, which is basic and polar, at codon 1711 of the DMD protein (p.Gln1711His). This variant is not present in population databases (gnomAD no frequency). This variant has not been reported in the literature in individuals affected with DMD-related conditions. Algorithms developed to predict the effect of missense changes on protein structure and function (SIFT, PolyPhen-2, Align-GVGD) all suggest that this variant is likely to be tolerated. In summary, the available evidence is currently insufficient to determine the role of this variant in disease. Therefore, it has been classified as a Variant of Uncertain Significance.